The following is an entry in ClinVar:

ClinVar aggregate classification (germline): Pathogenic (1 of 4 stars; one submission).

Conditions:
Neurofibromatosis, type 1 (NF1). Also called: NEUROFIBROMATOSIS, TYPE I, SOMATIC; Neurofibromatosis, type I; Peripheral type neurofibromatosis; VON RECKLINGHAUSEN DISEASE. Identifiers: Orphanet 636, MedGen C0027831, MONDO:0018975, OMIM 162200. Disease mechanism: loss of function.

Submission:

Labcorp Genetics (formerly Invitae), Labcorp
Classification: Pathogenic for Neurofibromatosis, type 1. Last evaluated: 2024-05-31. Review status: criteria provided, single submitter. Criteria: Invitae Variant Classification Sherloc (09022015). Collection method: clinical testing. Allele origin: germline.
Comment: This sequence change creates a premature translational stop signal (p.Tyr580*) in the NF1 gene. It is expected to result in an absent or disrupted protein product. Loss-of-function variants in NF1 are known to be pathogenic (PMID: 10712197, 23913538). This variant is not present in population databases (gnomAD no frequency). This variant has not been reported in the literature in individuals affected with NF1-related conditions. ClinVar contains an entry for this variant (Variation ID: 2026522). Algorithms developed to predict the effect of sequence changes on RNA splicing suggest that this variant may disrupt the consensus splice site. For these reasons, this variant has been classified as Pathogenic.

Literature cited by the submitters: PubMed 10712197; PubMed 23913538.

NM_001042492.3(NF1):c.1740C>A (p.Tyr580Ter)

Gene: NF1 (neurofibromin 1; plus strand). Cytogenetic location: 17q11.2.
Variant type: single nucleotide variant.
Coding change: c.1740C>A on transcript NM_001042492.3 (MANE Select); coding-DNA position 1740, C replaced by A.
Protein change: p.Tyr580Ter; replaces tyrosine 580 with a stop codon.
Molecular consequence: nonsense.
Genome position (GRCh38, 1-based): chr17:31,223,462, C>A. VCF-style: chr17-31223462-C-A. GRCh37 (hg19) VCF-style: chr17-29550480-C-A.
Other names: c.1740C>A, p.Tyr580Ter (NM_000267.4); short protein forms Y580*.
Identifiers: ClinVar variation 2026522 (VCV002026522.4), dbSNP rs786202554, ClinGen allele CA399004052.